The following is an entry in ClinVar:

NM_024312.5(GNPTAB):c.1042A>C (p.Ile348Leu)

Gene: GNPTAB (N-acetylglucosamine-1-phosphate transferase subunits alpha and beta; minus strand). Cytogenetic location: 12q23.2.
Variant type: single nucleotide variant.
Coding change: c.1042A>C on transcript NM_024312.5 (MANE Select); coding-DNA position 1042, A replaced by C.
Protein change: p.Ile348Leu; replaces isoleucine 348 with leucine.
Molecular consequence: missense variant.
Genome position (GRCh38, 1-based): chr12:101,770,477, T>G on the plus strand (A>C on the coding strand, the complement: GNPTAB is on the minus strand). VCF-style: chr12-101770477-T-G. GRCh37 (hg19) VCF-style: chr12-102164255-T-G.
Other names: short protein forms I348L.
Identifiers: ClinVar variation 39020 (VCV000039020.39), dbSNP rs7958709, ClinGen allele CA343333.

ClinVar aggregate classification (germline): Benign/Likely benign. Review status: criteria provided, multiple submitters, no conflicts (2 of 4 stars). 15 submissions from 14 submitters: Benign (4); Likely benign (8). 3 of the submissions do not count toward it. Last evaluated 2026-01-31.

Conditions:
Mucolipidosis type II. Also called: ML II ALPHA/BETA; Mucolipidosis 2; ML 2; Inclusion cell disease; Leroy Disease; N-acetylglucosamine 1phosphotransferase deficiency. Identifiers: Orphanet 576, MedGen C2673377, MONDO:0009650, OMIM 252500.
Pseudo-Hurler polydystrophy. Also called: Mucolipidosis III Alpha/Beta; MUCOLIPIDOSIS IIIA; ML III; ML III ALPHA/BETA; ML IIIA; Type III Mucolipidosis. Identifiers: Orphanet 423461, Orphanet 577, MedGen C0033788, MONDO:0018931, OMIM 252600.

Allele frequency attached by ClinVar (database versions not stated): ExAC 0.00375; gnomAD 0.01184 and 0.01289; 1000 Genomes Project 0.01198; TOPMed 0.01292; 1000 Genomes Project 30x 0.01312; ESP Exome Variant Server 0.01346.
gnomAD v4.1: 3,435 of 1,613,892 alleles (0.21%); highest among the groups gnomAD compares: African/African-American, 4.1%; 50 homozygotes.

Submissions (15):

Labcorp Genetics (formerly Invitae), Labcorp
Classification: Benign for Pseudo-Hurler polydystrophy; Mucolipidosis type II. Last evaluated: 2026-01-31. Review status: criteria provided, single submitter. Criteria: Invitae Variant Classification Sherloc (09022015). Collection method: clinical testing. Allele origin: germline.

CeGaT Center for Human Genetics Tuebingen
Classification: Benign. Last evaluated: 2025-08-01. Review status: criteria provided, single submitter. Criteria: CeGaT Center For Human Genetics Tuebingen Variant Classification Criteria Version 2. Collection method: clinical testing. Allele origin: germline. Affected: yes. Observed: 1 variant allele.
Comment: GNPTAB: BS1, BS2

Women's Health and Genetics/Laboratory Corporation of America, LabCorp
Classification: Likely benign. Last evaluated: 2021-12-10. Review status: criteria provided, single submitter. Criteria: LabCorp Variant Classification Summary - May 2015. Collection method: clinical testing. Allele origin: germline.

Fulgent Genetics
Classification: Likely benign for Mucolipidosis type II; Pseudo-Hurler polydystrophy. Last evaluated: 2021-09-09. Review status: criteria provided, single submitter. Criteria: ACMG Guidelines, 2015. Collection method: clinical testing. Allele origin: unknown.

Dubai Health Genomic Medicine Center, Dubai Health
Classification: Benign. Last evaluated: 2020-03-25. Review status: criteria provided, single submitter. Criteria: ACMG Guidelines, 2015. Collection method: clinical testing. Allele origin: germline. Affected: yes.

Mendelics
Classification: Likely benign for Mucolipidosis type II. Last evaluated: 2019-05-28. Review status: criteria provided, single submitter. Criteria: Mendelics Assertion Criteria 2017. Collection method: clinical testing. Allele origin: unknown.

GeneDx
Classification: Likely benign. Last evaluated: 2019-03-24. Review status: criteria provided, single submitter. Criteria: GeneDx Variant Classification Process June 2021. Collection method: clinical testing. Allele origin: germline. Affected: yes.
Comment: This variant is associated with the following publications: (PMID: 27884173, 19617216, 25505245, 22995991)

Illumina Laboratory Services, Illumina
Classification: Likely benign for Pseudo-Hurler polydystrophy. Last evaluated: 2017-04-28. Review status: criteria provided, single submitter. Criteria: ICSL Variant Classification Criteria 13 December 2019. Collection method: clinical testing. Allele origin: germline.
Comment: This variant was observed as part of a predisposition screen in an ostensibly healthy population. A literature search was performed for the gene, cDNA change, and amino acid change (where applicable). Publications were found based on this search. The evidence from the literature, in combination with allele frequency data from public databases where available, was sufficient to determine this variant is unlikely to cause disease. Therefore, this variant is classified as likely benign.

Illumina Laboratory Services, Illumina
Classification: Likely benign for Mucolipidosis type II. Last evaluated: 2017-04-28. Review status: criteria provided, single submitter. Criteria: ICSL Variant Classification Criteria 13 December 2019. Collection method: clinical testing. Allele origin: germline.
Comment: the same text as in the submission from Illumina Laboratory Services, Illumina above.

Center for Pediatric Genomic Medicine, Children's Mercy Hospital and Clinics
Classification: Likely benign. Last evaluated: 2017-01-24. Review status: criteria provided, single submitter. Criteria: ACMG Guidelines, 2015. Collection method: clinical testing. Allele origin: germline.
ClinVar note: Converted during submission from Likely Benign to Likely benign.

Breakthrough Genomics
Classification: Likely benign. Review status: criteria provided, single submitter. Criteria: ACMG Guidelines, 2015. Collection method: not provided. Allele origin: germline. Inheritance: Autosomal recessive inheritance. Affected: yes.

PreventionGenetics, part of Exact Sciences
Classification: Benign. Review status: criteria provided, single submitter. Criteria: ACMG Guidelines, 2015. Collection method: clinical testing. Allele origin: germline.

Natera, Inc.
Classification: Benign for Mucolipidosis type II. Last evaluated: 2020-01-09. Review status: no assertion criteria provided. Collection method: clinical testing. Allele origin: germline. Not counted in ClinVar's aggregate classification.

Mayo Clinic Laboratories, Mayo Clinic
Classification: Benign. Last evaluated: 2017-09-27. Review status: no assertion criteria provided. Collection method: clinical testing. Allele origin: unknown. Not counted in ClinVar's aggregate classification.

GeneReviews
No classification provided. Condition: Mucolipidosis type II. Review status: no classification provided. Collection method: literature only. Allele origin: unknown. Not counted in ClinVar's aggregate classification.

Literature cited by the submitters: PubMed 25505245 (cited by Illumina Laboratory Services, Illumina); PubMed 19617216 (cited by Illumina Laboratory Services, Illumina and GeneReviews); PubMed 20301728 (cited by GeneReviews); NCBI Bookshelf NBK1828 (cited by GeneReviews).